The following is an entry in ClinVar:

ClinVar aggregate classification (germline): Uncertain significance (1 of 4 stars; one submission).

Submission:

Labcorp Genetics (formerly Invitae), Labcorp
Classification: Uncertain significance. Last evaluated: 2025-02-04. Review status: criteria provided, single submitter. Criteria: Invitae Variant Classification Sherloc (09022015). Collection method: clinical testing. Allele origin: germline.
Comment: This sequence change replaces glutamine, which is neutral and polar, with glutamic acid, which is acidic and polar, at codon 3611 of the PCLO protein (p.Gln3611Glu). This variant is not present in population databases (gnomAD no frequency). This variant has not been reported in the literature in individuals affected with PCLO-related conditions. Experimental studies and prediction algorithms are not available or were not evaluated, and the functional significance of this variant is currently unknown. In summary, the available evidence is currently insufficient to determine the role of this variant in disease. Therefore, it has been classified as a Variant of Uncertain Significance.

NM_033026.6(PCLO):c.10831C>G (p.Gln3611Glu)

Gene: PCLO (piccolo presynaptic cytomatrix protein; minus strand). Cytogenetic location: 7q21.11.
Variant type: single nucleotide variant.
Coding change: c.10831C>G on transcript NM_033026.6 (MANE Select); coding-DNA position 10831, C replaced by G.
Protein change: p.Gln3611Glu; replaces glutamine 3611 with glutamic acid.
Molecular consequence: missense variant.
Genome position (GRCh38, 1-based): chr7:82,949,757, G>C on the plus strand (C>G on the coding strand, the complement: PCLO is on the minus strand). VCF-style: chr7-82949757-G-C. GRCh37 (hg19) VCF-style: chr7-82579073-G-C.
Other names: c.10831C>G, p.Gln3611Glu (NM_014510.3); short protein forms Q3611E.
Identifiers: ClinVar variation 3679404 (VCV003679404.2).